The following is an entry in ClinVar:

NM_001042492.3(NF1):c.212_213insG (p.Phe71fs)

Gene: NF1 (neurofibromin 1; plus strand). Cytogenetic location: 17q11.2.
Variant type: Insertion.
Coding change: c.212_213insG on transcript NM_001042492.3 (MANE Select); coding-DNA positions 212 to 213, G inserted.
Protein change: p.Phe71fs; shifts the reading frame from phenylalanine 71.
Molecular consequence: frameshift variant.
Genome position: GRCh38 VCF-style: chr17-31159017-T-TG. GRCh37 (hg19) VCF-style: chr17-29486035-T-TG.
Other names: c.212_213insG, p.Phe71fs (NM_000267.4, NM_001128147.3); short protein forms F71fs.
Identifiers: ClinVar variation 4712141 (VCV004712141.1).

ClinVar aggregate classification (germline): Pathogenic (1 of 4 stars; one submission).

Conditions:
Neurofibromatosis, type 1 (NF1). Also called: VON RECKLINGHAUSEN DISEASE; Peripheral type neurofibromatosis; NEUROFIBROMATOSIS, TYPE I, SOMATIC; Neurofibromatosis, type I. Identifiers: Orphanet 636, MedGen C0027831, MONDO:0018975, OMIM 162200. Disease mechanism: loss of function.

Submission:

Labcorp Genetics (formerly Invitae), Labcorp
Classification: Pathogenic for Neurofibromatosis, type 1. Last evaluated: 2025-02-02. Review status: criteria provided, single submitter. Criteria: Invitae Variant Classification Sherloc (09022015). Collection method: clinical testing. Allele origin: germline.
Comment: This sequence change creates a premature translational stop signal (p.Phe71Leufs*6) in the NF1 gene. It is expected to result in an absent or disrupted protein product. Loss-of-function variants in NF1 are known to be pathogenic (PMID: 10712197, 23913538). This variant is not present in population databases (gnomAD no frequency). This variant has not been reported in the literature in individuals affected with NF1-related conditions. For these reasons, this variant has been classified as Pathogenic.

Literature cited by the submitters: PubMed 10712197; PubMed 23913538.